The following is an entry in ClinVar:

ClinVar aggregate classification (germline): Uncertain significance. Review status: criteria provided, multiple submitters, no conflicts (2 of 4 stars). 2 submissions from 2 submitters: Uncertain significance (2). Last evaluated 2024-07-17.

Allele frequency attached by ClinVar (database versions not stated): gnomAD exomes below 0.00001; TOPMed below 0.00001.
gnomAD v4.1: 3 of 1,532,626 alleles (0.0002%); highest among the groups gnomAD compares: Admixed American, 0.002%; no homozygotes.

Submissions (2):

Ambry Genetics
Classification: Uncertain significance. Last evaluated: 2024-07-17. Review status: criteria provided, single submitter. Criteria: Ambry Variant Classification Scheme 2023. Collection method: clinical testing. Allele origin: germline.

Labcorp Genetics (formerly Invitae), Labcorp
Classification: Uncertain significance. Last evaluated: 2022-06-30. Review status: criteria provided, single submitter. Criteria: Invitae Variant Classification Sherloc (09022015). Collection method: clinical testing. Allele origin: germline.
Comment: Algorithms developed to predict the effect of missense changes on protein structure and function are either unavailable or do not agree on the potential impact of this missense change (SIFT: "Tolerated"; PolyPhen-2: "Possibly Damaging"; Align-GVGD: "Class C0"). In summary, the available evidence is currently insufficient to determine the role of this variant in disease. Therefore, it has been classified as a Variant of Uncertain Significance. This variant has not been reported in the literature in individuals affected with FSCN2-related conditions. The frequency data for this variant in the population databases is considered unreliable, as metrics indicate poor data quality at this position in the gnomAD database. This sequence change replaces methionine, which is neutral and non-polar, with isoleucine, which is neutral and non-polar, at codon 294 of the FSCN2 protein (p.Met294Ile).

NM_012418.4(FSCN2):c.882G>A (p.Met294Ile)

Gene: FSCN2 (fascin actin-bundling protein 2, retinal; plus strand). Cytogenetic location: 17q25.3.
Variant type: single nucleotide variant.
Coding change: c.882G>A on transcript NM_012418.4 (MANE Select); coding-DNA position 882, G replaced by A.
Protein change: p.Met294Ile; replaces methionine 294 with isoleucine.
Molecular consequence: missense variant.
Genome position (GRCh38, 1-based): chr17:81,535,107, G>A. VCF-style: chr17-81535107-G-A. GRCh37 (hg19) VCF-style: chr17-79502133-G-A.
Other names: c.882G>A, p.Met294Ile (NM_001077182.3); c.882G>A (NM_001077182.2); short protein forms M294I.
Identifiers: ClinVar variation 1931748 (VCV001931748.6), dbSNP rs1294826606, ClinGen allele CA401475608.